The following is an entry in ClinVar:

ClinVar aggregate classification (germline): Uncertain significance (1 of 4 stars; one submission).

gnomAD v4.1: 30 of 1,613,006 alleles (0.0019%); highest among the groups gnomAD compares: Non-Finnish European, 0.0024%; no homozygotes.

Submission:

Labcorp Genetics (formerly Invitae), Labcorp
Classification: Uncertain significance. Last evaluated: 2022-08-23. Review status: criteria provided, single submitter. Criteria: Invitae Variant Classification Sherloc (09022015). Collection method: clinical testing. Allele origin: germline.
Comment: In summary, the available evidence is currently insufficient to determine the role of this variant in disease. Therefore, it has been classified as a Variant of Uncertain Significance. Algorithms developed to predict the effect of missense changes on protein structure and function output the following: SIFT: "Tolerated"; PolyPhen-2: "Benign"; Align-GVGD: "Class C0". The leucine amino acid residue is found in multiple mammalian species, which suggests that this missense change does not adversely affect protein function. ClinVar contains an entry for this variant (Variation ID: 1056926). This variant has not been reported in the literature in individuals affected with RIMS1-related conditions. This variant is present in population databases (no rsID available, gnomAD 0.002%). This sequence change replaces valine, which is neutral and non-polar, with leucine, which is neutral and non-polar, at codon 5 of the RIMS1 protein (p.Val5Leu).

NM_014989.7(RIMS1):c.13G>T (p.Val5Leu)

Genes: RIMS1 (regulating synaptic membrane exocytosis 1; plus strand), LOC129996708 (ATAC-STARR-seq lymphoblastoid silent region 17328; plus strand). Cytogenetic location: 6q13.
Variant type: single nucleotide variant.
Coding change: c.13G>T on transcript NM_014989.7 (MANE Select); coding-DNA position 13, G replaced by T.
Protein change: p.Val5Leu; replaces valine 5 with leucine.
Molecular consequence: missense variant.
Genome position (GRCh38, 1-based): chr6:71,887,036, G>T. VCF-style: chr6-71887036-G-T. GRCh37 (hg19) VCF-style: chr6-72596739-G-T.
Other names: c.13G>T, p.Val5Leu (NM_001350411.1, NM_001350412.1, NM_001350413.1); short protein forms V5L.
Identifiers: ClinVar variation 1056926 (VCV001056926.9), dbSNP rs767496116, ClinGen allele CA364817674.
Genomic context (GRCh38, chr6:71,887,036, plus strand): 5'-AAAGGTGAGAGCCAGAGAGCGAGCAGAGGGGGCGGGCAGGCCACGAAAATGTCCTCGGCC[G>T]TGGGGCCCCGCGGTCCTCGCCCACCCACGGTGCCTCCCCCCATGCAAGAGCTGCCCGACC-3'
Protein context (NP_055804.2, residues 1-15): MSSA[Val5Leu]GPRGPRPPTV